The following is an entry in ClinVar:

ClinVar aggregate classification (germline): Uncertain significance (1 of 4 stars; one submission).

Allele frequency attached by ClinVar (database versions not stated): gnomAD exomes below 0.00001; TOPMed 0.00002; gnomAD 0.00003.
gnomAD v4.1: 5 of 1,614,008 alleles (0.00031%); highest among the groups gnomAD compares: African/African-American, 0.0067%; no homozygotes.

Submission:

Labcorp Genetics (formerly Invitae), Labcorp
Classification: Uncertain significance. Last evaluated: 2022-03-16. Review status: criteria provided, single submitter. Criteria: Invitae Variant Classification Sherloc (09022015). Collection method: clinical testing. Allele origin: germline.
Comment: This sequence change replaces glutamic acid, which is acidic and polar, with alanine, which is neutral and non-polar, at codon 271 of the TRPM1 protein (p.Glu271Ala). In summary, the available evidence is currently insufficient to determine the role of this variant in disease. Therefore, it has been classified as a Variant of Uncertain Significance. Algorithms developed to predict the effect of missense changes on protein structure and function (SIFT, PolyPhen-2, Align-GVGD) all suggest that this variant is likely to be tolerated. This variant has not been reported in the literature in individuals affected with TRPM1-related conditions. This variant is not present in population databases (gnomAD no frequency).

NM_001252024.2(TRPM1):c.878A>C (p.Glu293Ala)

Gene: TRPM1 (transient receptor potential cation channel subfamily M member 1; minus strand). Cytogenetic location: 15q13.3.
Variant type: single nucleotide variant.
Coding change: c.878A>C on transcript NM_001252024.2 (MANE Select); coding-DNA position 878, A replaced by C.
Protein change: p.Glu293Ala; replaces glutamic acid 293 with alanine.
Molecular consequence: missense variant.
Genome position (GRCh38, 1-based): chr15:31,063,205, T>G on the plus strand (A>C on the coding strand, the complement: TRPM1 is on the minus strand). VCF-style: chr15-31063205-T-G. GRCh37 (hg19) VCF-style: chr15-31355408-T-G.
Other names: c.929A>C, p.Glu310Ala (NM_001252020.2); c.812A>C, p.Glu271Ala (NM_002420.6); short protein forms E293A, E310A, E271A.
Identifiers: ClinVar variation 1941752 (VCV001941752.5), dbSNP rs981000776, ClinGen allele CA267496252.